The following is an entry in ClinVar:

NM_000038.6(APC):c.5543del (p.Pro1848fs)

Gene: APC (APC regulator of Wnt signaling pathway; plus strand). Cytogenetic location: 5q22.2.
Variant type: Deletion.
Coding change: c.5543del on transcript NM_000038.6 (MANE Select); coding-DNA position 5543, one base deleted (C; older notation c.5543delC).
Protein change: p.Pro1848fs; shifts the reading frame from proline 1848.
Molecular consequence: frameshift variant. On other transcripts: non-coding transcript variant (2).
Genome position (GRCh38, 1-based): chr5:112,841,137, C deleted; the last of 2 consecutive C bases (chr5:112,841,136-112,841,137); deleting either gives the same sequence. VCF-style (leftmost placement, unchanged base first): chr5-112841135-GC-G. GRCh37 (hg19) VCF-style: chr5-112176832-GC-G.
Other names: c.5156del, p.Pro1719fs (NM_001407469.1, NM_001407467.1); c.4694del, p.Pro1565fs (NM_001407470.1, NM_001354906.2); c.4391del, p.Pro1464fs (NM_001407471.1, NM_001407472.1); c.5063del, p.Pro1688fs (NM_001354905.2); c.5627del, p.Pro1876fs (NM_001407446.1); c.5597del, p.Pro1866fs (NM_001407447.1, NM_001407448.1, NM_001407449.1 and 1 more transcripts); c.5543del, p.Pro1848fs (NM_001407450.1, NM_001127510.3, NM_001354895.2); c.5522del, p.Pro1841fs (NM_001407451.1); and 11 more; short protein forms P1464fs, P1565fs, P1789fs, P1830fs, P1876fs, P1722fs, P1823fs, P1688fs.
Identifiers: ClinVar variation 4843531 (VCV004843531.1).
Genomic context (GRCh38, chr5:112,841,135, plus strand): 5'-CCCAAATAATGAAGATAGAGTCAGAGGAAGTTTTGCTTTTGATTCACCTCATCATTACAC[GC>G]CTATTGAAGGAACTCCTTACTGTTTTTCACGAAATGATTCTTTGAGTTCTCTAGATTTTG-3'

ClinVar aggregate classification (germline): Pathogenic (1 of 4 stars; one submission).

Conditions:
Hereditary cancer-predisposing syndrome. Also called: Neoplastic Syndromes, Hereditary; Tumor predisposition; Hereditary Cancer Syndrome; Hereditary neoplastic syndrome. Identifiers: Orphanet 140162, MedGen C0027672, MeSH D009386, MONDO:0015356.

Submission:

Ambry Genetics
Classification: Pathogenic for Hereditary cancer-predisposing syndrome. Last evaluated: 2026-01-06. Review status: criteria provided, single submitter. Criteria: Ambry Variant Classification Scheme 2023. Collection method: clinical testing. Allele origin: germline.
Comment: The c.5543delC pathogenic mutation, located in coding exon 15 of the APC gene, results from a deletion of one nucleotide at nucleotide position 5543, causing a translational frameshift with a predicted alternate stop codon (p.P1848Lfs*15). This alteration occurs at the 3' terminus of the gene, is not expected to trigger nonsense-mediated mRNA decay, and impacts the last 35% of the protein. However, premature stop codons are typically deleterious in nature and a significant portion of the protein is affected (Ambry internal data).This variant was reported in individual(s) with features consistent with APC-related familial adenomatous polyposis (Ambry internal data). This variant is considered to be rare based on population cohorts in the Genome Aggregation Database (gnomAD). Based on the supporting evidence, this variant is interpreted as a disease-causing mutation.